The following is an entry in ClinVar:

NM_001198950.3(MYO16):c.5033C>A (p.Pro1678His)

Gene: MYO16 (myosin XVI; plus strand). Cytogenetic location: 13q33.3.
Variant type: single nucleotide variant.
Coding change: c.5033C>A on transcript NM_001198950.3 (MANE Select); coding-DNA position 5033, C replaced by A.
Protein change: p.Pro1678His; replaces proline 1678 with histidine.
Molecular consequence: missense variant.
Genome position (GRCh38, 1-based): chr13:109,141,245, C>A. VCF-style: chr13-109141245-C-A. GRCh37 (hg19) VCF-style: chr13-109793593-C-A.
Other names: c.4967C>A, p.Pro1656His (NM_015011.3); short protein forms P1656H, P1678H.
Identifiers: ClinVar variation 3043901 (VCV003043901.2), dbSNP rs116870463, ClinGen allele CA7045827.

ClinVar aggregate classification (germline): Benign (0 of 4 stars; one submission).

Conditions:
MYO16-related disorder. Also called: MYO16-related condition.

Allele frequency attached by ClinVar (database versions not stated): ESP Exome Variant Server 0.00038; gnomAD 0.00718; TOPMed 0.00903; 1000 Genomes Project 30x 0.02030; 1000 Genomes Project 0.02117.
gnomAD v4.1: 6,512 of 1,606,566 alleles (0.41%); highest among the groups gnomAD compares: East Asian, 6.8%; 191 homozygotes.

Submission:

PreventionGenetics, part of Exact Sciences
Classification: Benign for MYO16-related condition. Last evaluated: 2019-11-26. Review status: no assertion criteria provided. Collection method: clinical testing. Allele origin: germline.
Comment: This variant is classified as benign based on ACMG/AMP sequence variant interpretation guidelines (Richards et al. 2015 PMID: 25741868, with internal and published modifications).